The following is an entry in ClinVar:

NM_001077365.2(POMT1):c.881G>A (p.Gly294Asp)

Gene: POMT1 (protein O-mannosyltransferase 1; plus strand). Cytogenetic location: 9q34.13.
Variant type: single nucleotide variant.
Coding change: c.881G>A on transcript NM_001077365.2 (MANE Select); coding-DNA position 881, G replaced by A.
Protein change: p.Gly294Asp; replaces glycine 294 with aspartic acid.
Molecular consequence: missense variant. On other transcripts: synonymous variant (1), non-coding transcript variant (10).
Genome position (GRCh38, 1-based): chr9:131,511,362, G>A. VCF-style: chr9-131511362-G-A. GRCh37 (hg19) VCF-style: chr9-134386749-G-A.
Other names: c.719G>A, p.Gly240Asp (NM_001077366.2, NM_001353194.2, NM_001374693.1); c.881G>A, p.Gly294Asp (NM_001136113.2, NM_001374690.1); c.530G>A, p.Gly177Asp (NM_001136114.2, NM_001353195.2, NM_001374691.1 and 1 more transcripts); c.947G>A, p.Gly316Asp (NM_001353193.2, NM_007171.4); c.791G>A, p.Gly264Asp (NM_001353196.2); c.785G>A, p.Gly262Asp (NM_001353197.2, NM_001353198.2); c.596G>A, p.Gly199Asp (NM_001353199.2); c.425G>A, p.Gly142Asp (NM_001353200.2); and 2 more; short protein forms G142D, G316D, G177D, G240D, G164D, G199D, G262D, G264D.
Identifiers: ClinVar variation 1495783 (VCV001495783.3), dbSNP rs1947081771, ClinGen allele CA375308353.

ClinVar aggregate classification (germline): Uncertain significance (1 of 4 stars; one submission).

Conditions:
Walker-Warburg congenital muscular dystrophy. Also called: Muscular dystrophy-dystroglycanopathy, type A; Walker-Warburg syndrome. Identifiers: Orphanet 899, MedGen C0265221, MONDO:0000171.
Autosomal recessive limb-girdle muscular dystrophy type 2K. Also called: MUSCULAR DYSTROPHY-DYSTROGLYCANOPATHY (LIMB-GIRDLE), TYPE C, 1; MUSCULAR DYSTROPHY, LIMB-GIRDLE, TYPE 2K. Identifiers: Orphanet 86812, MedGen C1836373, MONDO:0012248, OMIM 609308.
Muscular dystrophy-dystroglycanopathy (congenital with impaired intellectual development), type B, 1. Also called: Muscular dystrophy-dystroglycanopathy (congenital with intellectual disability), type B1; MUSCULAR DYSTROPHY, CONGENITAL, POMT1-RELATED. Identifiers: MedGen C5436962, MONDO:0013159, OMIM 613155.

gnomAD v4.1: 4 of 1,613,958 alleles (0.00025%); highest among the groups gnomAD compares: Non-Finnish European, 0.00034%; no homozygotes.

Submission:

Labcorp Genetics (formerly Invitae), Labcorp
Classification: Uncertain significance for Muscular dystrophy-dystroglycanopathy (congenital with impaired intellectual development), type B, 1; Walker-Warburg congenital muscular dystrophy; Autosomal recessive limb-girdle muscular dystrophy type 2K. Last evaluated: 2022-07-14. Review status: criteria provided, single submitter. Criteria: Invitae Variant Classification Sherloc (09022015). Collection method: clinical testing. Allele origin: germline.
Comment: This sequence change replaces glycine, which is neutral and non-polar, with aspartic acid, which is acidic and polar, at codon 316 of the POMT1 protein (p.Gly316Asp). This variant is not present in population databases (gnomAD no frequency). This variant has not been reported in the literature in individuals affected with POMT1-related conditions. ClinVar contains an entry for this variant (Variation ID: 1495783). Algorithms developed to predict the effect of missense changes on protein structure and function (SIFT, PolyPhen-2, Align-GVGD) all suggest that this variant is likely to be disruptive. In summary, the available evidence is currently insufficient to determine the role of this variant in disease. Therefore, it has been classified as a Variant of Uncertain Significance.